The following is an entry in ClinVar:

ClinVar aggregate classification (germline): Pathogenic. Review status: criteria provided, multiple submitters, no conflicts (2 of 4 stars). 6 submissions from 6 submitters: Pathogenic (6). Last evaluated 2026-09-08.

Conditions:
Fabry disease. Also called: GLA DEFICIENCY; HEREDITARY DYSTOPIC LIPIDOSIS; Fabry's disease; ALPHA-GALACTOSIDASE A DEFICIENCY; ANDERSON-FABRY DISEASE; CERAMIDE TRIHEXOSIDASE DEFICIENCY. Identifiers: Orphanet 324, MedGen C0002986, MONDO:0010526, OMIM 301500, HP:0001071. Disease mechanism: Fabry disease is due to inactivating mutations in the X-linked GLA gene resulting in deficiency of the enzyme Alpha Galactosidase-A., loss of function.

Submissions (6):

Genomenon, Inc
Classification: Pathogenic for Fabry disease. Last evaluated: 2026-09-08. Review status: criteria provided, single submitter. Criteria: Genomenon Sequence Variant Interpretation Standards - Updated. Collection method: curation. Allele origin: germline. Affected: yes.
Comment: GLA p.Trp236Ter (c.707G>A) is a nonsense variant that introduces a premature stop codon at amino acid position 236 and is predicted to result in a truncated or absent protein product. This variant has been observed in at least one proband with clinical features consistent with Fabry disease (PMID:12428061;32924720;33204599;39348817;37940383). The variant was found to segregate with disease in at least one affected family (PMID:39348817). Functional or patient cell studies have been reported (PMID:33204599). It is absent or not present at a significant frequency in gnomAD. In conclusion, we classify GLA p.Trp236Ter (c.707G>A) as a pathogenic variant.

CeGaT Center for Human Genetics Tuebingen
Classification: Pathogenic. Last evaluated: 2024-07-01. Review status: criteria provided, single submitter. Criteria: CeGaT Center For Human Genetics Tuebingen Variant Classification Criteria Version 2. Collection method: clinical testing. Allele origin: germline. Affected: yes. Observed: 1 variant allele.
Comment: GLA: PVS1, PM2, PS4:Moderate

Labcorp Genetics (formerly Invitae), Labcorp
Classification: Pathogenic for Fabry disease. Last evaluated: 2021-09-20. Review status: criteria provided, single submitter. Criteria: Invitae Variant Classification Sherloc (09022015). Collection method: clinical testing. Allele origin: germline.
Comment: This sequence change creates a premature translational stop signal (p.Trp236*) in the GLA gene. It is expected to result in an absent or disrupted protein product. Loss-of-function variants in GLA are known to be pathogenic (PMID: 10666480, 12175777). This variant is not present in population databases (ExAC no frequency). This premature translational stop signal has been observed in individuals with classic Fabry disease (PMID: 12428061, 27560961). ClinVar contains an entry for this variant (Variation ID: 245967). Algorithms developed to predict the effect of sequence changes on RNA splicing suggest that this variant may create or strengthen a splice site. For these reasons, this variant has been classified as Pathogenic.

Genome-Nilou Lab
Classification: Pathogenic for Fabry disease. Last evaluated: 2021-07-15. Review status: criteria provided, single submitter. Criteria: ACMG Guidelines, 2015. Collection method: clinical testing. Allele origin: germline. Affected: no.

Revvity Omics, Revvity
Classification: Pathogenic. Last evaluated: 2019-08-19. Review status: criteria provided, single submitter. Criteria: ACMG Guidelines, 2015. Collection method: clinical testing. Allele origin: germline.

GeneDx
Classification: Pathogenic. Last evaluated: 2015-09-24. Review status: criteria provided, single submitter. Criteria: GeneDx Variant Classification (06012015). Collection method: clinical testing. Allele origin: germline. Affected: yes.
Comment: The W236X nonsense variant in the GLA gene has been reported previously in association with Fabry disease (Jojart et al., 2009; Germain et al., 2002), and its presence is consistent with the diagnosis in the patient. This mutation is predicted to cause loss of normal protein function either through protein truncation or nonsense-mediated mRNA decay. Approximately 60-70% of females with a single GLA mutation have some disease manifestations, and 10% of these individuals present with a disease severity that is similar to that of affected males (Bennett et al., 2002).

Literature cited by the submitters: PubMed 12428061 (cited by Genomenon, Inc and Labcorp Genetics (formerly Invitae), Labcorp); PubMed 32924720 (cited by Genomenon, Inc); PubMed 33204599 (cited by Genomenon, Inc); PubMed 39348817 (cited by Genomenon, Inc); PubMed 37940383 (cited by Genomenon, Inc); PubMed 10666480 (cited by Labcorp Genetics (formerly Invitae), Labcorp); PubMed 12175777 (cited by Labcorp Genetics (formerly Invitae), Labcorp); PubMed 27560961 (cited by Labcorp Genetics (formerly Invitae), Labcorp).

NM_000169.3(GLA):c.707G>A (p.Trp236Ter)

Genes: RPL36A-HNRNPH2 (RPL36A-HNRNPH2 readthrough; plus strand), GLA (galactosidase alpha; minus strand). Cytogenetic location: Xq22.1.
Variant type: single nucleotide variant.
Coding change: c.707G>A on transcript NM_000169.3 (MANE Select); coding-DNA position 707, G replaced by A.
Protein change: p.Trp236Ter; replaces tryptophan 236 with a stop codon.
Molecular consequence: nonsense. On other transcripts: non-coding transcript variant (3), intron variant (2).
Genome position (GRCh38, 1-based): chrX:101,398,879, C>T on the plus strand (G>A on the coding strand, the complement: GLA is on the minus strand). VCF-style: chrX-101398879-C-T. GRCh37 (hg19) VCF-style: chrX-100653867-C-T.
Other names: c.830G>A, p.Trp277Ter (NM_001406747.1); c.707G>A, p.Trp236Ter (NM_001406748.1); c.300+3422C>T (NM_001199973.2); c.177+7057C>T (NM_001199974.2); short protein forms W236*, W277*.
Identifiers: ClinVar variation 245967 (VCV000245967.36), dbSNP rs879254022, ClinGen allele CA10584628.